The following is an entry in ClinVar:

ClinVar aggregate classification (germline): Likely pathogenic. Review status: reviewed by expert panel (3 of 4 stars). 4 submissions from 4 submitters: Likely pathogenic (1). 3 of the submissions do not count toward it. Last evaluated 2023-11-16.

Conditions:
Familial thoracic aortic aneurysm and aortic dissection (TAAD). Also called: Thoracic aortic aneurysms and dissections. Identifiers: Orphanet 91387, MedGen C4707243, MONDO:0019625.
Marfan syndrome (MFS). Also called: Marfan syndrome type 1; Marfan syndrome, classic; Marfan's syndrome; FBN1-Related Marfan Syndrome; MARFAN SYNDROME, TYPE I. Identifiers: Orphanet 284963, Orphanet 558, MedGen C0024796, MONDO:0007947, OMIM 154700.

Submissions (4):

ClinGen FBN1 Variant Curation Expert Panel, ClinGen
Classification: Likely pathogenic for Marfan syndrome. Last evaluated: 2023-11-16. Review status: reviewed by expert panel. Criteria: Assertion Criteria VCEP FBN1 Version 1. Collection method: curation. Allele origin: germline. Inheritance: Autosomal dominant inheritance.
Comment: NM_000138.5(FBN1):c.1481G>C (p.Cys494Ser) NM_00138 c.1481G>C is a missense variant in FBN1 predicted to cause a substitution of a cysteine by serine at amino acid 494 (p.Cys494Ser). This variant was found in two probands, one with isolated thoracic aortic aneurysm and dissection (TAAD) and one with TAAD and systemic features of Marfan syndrome (PS4_supporting; PMID: 32209317; UZG internal data). This variant has been reported twice in ClinVar as likely pathogenic and once as of uncertain significance (Variation ID: 502478). This variant is not present in gnomAD (PM2_supporting). This variant affects a cysteine residue in a calcium binding EGF domain; cysteine residues are believed to be involved in the formation of disulfide bridges which are essential for the protein structure (PM1_strong). Other variants affecting this codon have been reported in association with Marfan syndrome (p.Cys494Tyr, p.Cys494Trp, p.Cys494Phe). Computational prediction tools and conservation analysis strongly support that this variant may impact the protein’s structure or function (PP3). The constraint z-score for missense variants affecting FBN1 is 5.06 (PP2). In summary, this variant meets criteria to be classified as likely pathogenic for Marfan syndrome based on the ACMG/AMP criteria applied, as specified by the ClinGen FBN1 VCEP: PM1_strong, PS4_supporting, PP2, PP3, PM2_supporting.

Labcorp Genetics (formerly Invitae), Labcorp
Classification: Pathogenic for Marfan syndrome; Familial thoracic aortic aneurysm and aortic dissection. Last evaluated: 2025-01-15. Review status: criteria provided, single submitter. Criteria: Invitae Variant Classification Sherloc (09022015). Collection method: clinical testing. Allele origin: germline. Not counted in ClinVar's aggregate classification.
Comment: This sequence change replaces cysteine, which is neutral and slightly polar, with serine, which is neutral and polar, at codon 494 of the FBN1 protein (p.Cys494Ser). This variant is not present in population databases (gnomAD no frequency). This missense change has been observed in individuals with clinical features of FBN1-related conditions (PMID: 32209317; internal data). ClinVar contains an entry for this variant (Variation ID: 502478). Invitae Evidence Modeling of protein sequence and biophysical properties (such as structural, functional, and spatial information, amino acid conservation, physicochemical variation, residue mobility, and thermodynamic stability) indicates that this missense variant is expected to disrupt FBN1 protein function with a positive predictive value of 95%. This variant affects a cysteine residue in the EGF-like, TGFBP or hybrid motif domains of FBN1. Cysteine residues are believed to be involved in intramolecular disulfide bridges and have been shown to be important for FBN1 protein structure (PMID: 16905551, 19349279). In addition, missense substitutions affecting cysteine residues within these domains are significantly overrepresented among patients with Marfan syndrome (PMID: 16571647, 17701892). This variant disrupts the p.Cys494 amino acid residue in FBN1. Other variant(s) that disrupt this residue have been observed in individuals with FBN1-related conditions (PMID: 28973303), which suggests that this may be a clinically significant amino acid residue. For these reasons, this variant has been classified as Pathogenic.

Eurofins Ntd Llc (ga)
Classification: Uncertain significance. Last evaluated: 2017-06-23. Review status: criteria provided, single submitter. Criteria: EGL Classification Definitions 2015. Collection method: clinical testing. Allele origin: germline. Observed: 1 variant allele, 1 heterozygote. Not counted in ClinVar's aggregate classification.

Center for Medical Genetics Ghent, University of Ghent
Classification: Likely pathogenic for Marfan syndrome. Last evaluated: 2017-11-07. Review status: no assertion criteria provided. Collection method: clinical testing. Allele origin: germline. Affected: yes. Not counted in ClinVar's aggregate classification.

Literature cited by the submitters: PubMed 32209317 (cited by Labcorp Genetics (formerly Invitae), Labcorp); PubMed 16905551 (cited by Labcorp Genetics (formerly Invitae), Labcorp); PubMed 19349279 (cited by Labcorp Genetics (formerly Invitae), Labcorp); PubMed 16571647 (cited by Labcorp Genetics (formerly Invitae), Labcorp); PubMed 17701892 (cited by Labcorp Genetics (formerly Invitae), Labcorp); PubMed 28973303 (cited by Labcorp Genetics (formerly Invitae), Labcorp).

NM_000138.5(FBN1):c.1481G>C (p.Cys494Ser)

Gene: FBN1 (fibrillin 1; minus strand). Cytogenetic location: 15q21.1.
Variant type: single nucleotide variant.
Coding change: c.1481G>C on transcript NM_000138.5 (MANE Select); coding-DNA position 1481, G replaced by C.
Protein change: p.Cys494Ser; replaces cysteine 494 with serine.
Molecular consequence: missense variant.
Genome position (GRCh38, 1-based): chr15:48,513,656, C>G on the plus strand (G>C on the coding strand, the complement: FBN1 is on the minus strand). VCF-style: chr15-48513656-C-G. GRCh37 (hg19) VCF-style: chr15-48805853-C-G.
Other names: NM_000138.5(FBN1):c.1481G>C; p.Cys494Ser; short protein forms C494S.
Identifiers: ClinVar variation 502478 (VCV000502478.10), dbSNP rs1057518881, ClinGen allele CA392342805.
Genomic context (GRCh38, chr15:48,513,656, plus strand): 5'-TGACAGGTGTACGAACCCTGGTTGTTAATACACTCACCACCAGCACAGGGGTTTTTCTCA[C>G]ATTCATCAACATCTGCAAAGCACAATGTATTTTAGTGCAAAATTACATAGCAATACCTCA-3'
Protein context (NP_000129.3, residues 484-504): LRGECIDVDE[Cys494Ser]EKNPCAGGEC